The following is an entry in ClinVar:

ClinVar aggregate classification (germline): Uncertain significance (1 of 4 stars; one submission).

Conditions:
Neuronopathy, distal hereditary motor, type 7A. Also called: Neuronopathy, distal hereditary motor, type viia; NEURONOPATHY, DISTAL HEREDITARY MOTOR, HARDING TYPE VIIA; NEUROPATHY, DISTAL HEREDITARY MOTOR, HARDING TYPE VIIA; Neuronopathy, distal hereditary motor, autosomal dominant 7; HARPER-YOUNG MYOPATHY; HMN VIIA. Identifiers: Orphanet 139589, MedGen C1834703, MONDO:0008024, OMIM 158580.
Congenital myasthenic syndrome 20. Also called: Myasthenic syndrome, congenital, 20, presynaptic. Identifiers: MedGen C4310694, MONDO:0014939, OMIM 617143.

gnomAD v4.1: 4 of 1,613,906 alleles (0.00025%); highest among the groups gnomAD compares: Non-Finnish European, 0.00034%; no homozygotes.

Submission:

Labcorp Genetics (formerly Invitae), Labcorp
Classification: Uncertain significance for Neuronopathy, distal hereditary motor, type 7A; Congenital myasthenic syndrome 20. Last evaluated: 2024-11-19. Review status: criteria provided, single submitter. Criteria: Invitae Variant Classification Sherloc (09022015). Collection method: clinical testing. Allele origin: germline.
Comment: This sequence change replaces isoleucine, which is neutral and non-polar, with valine, which is neutral and non-polar, at codon 417 of the SLC5A7 protein (p.Ile417Val). This variant is not present in population databases (gnomAD no frequency). This variant has not been reported in the literature in individuals affected with SLC5A7-related conditions. Invitae Evidence Modeling of protein sequence and biophysical properties (such as structural, functional, and spatial information, amino acid conservation, physicochemical variation, residue mobility, and thermodynamic stability) indicates that this missense variant is not expected to disrupt SLC5A7 protein function with a negative predictive value of 80%. In summary, the available evidence is currently insufficient to determine the role of this variant in disease. Therefore, it has been classified as a Variant of Uncertain Significance.

NM_021815.5(SLC5A7):c.1249A>G (p.Ile417Val)

Gene: SLC5A7 (solute carrier family 5 member 7; plus strand). Cytogenetic location: 2q12.3.
Variant type: single nucleotide variant.
Coding change: c.1249A>G on transcript NM_021815.5 (MANE Select); coding-DNA position 1249, A replaced by G.
Protein change: p.Ile417Val; replaces isoleucine 417 with valine.
Molecular consequence: missense variant.
Genome position (GRCh38, 1-based): chr2:108,010,367, A>G. VCF-style: chr2-108010367-A-G. GRCh37 (hg19) VCF-style: chr2-108626823-A-G.
Other names: c.1249A>G, p.Ile417Val (NM_001305005.3); c.934A>G, p.Ile312Val (NM_001305006.3); c.508A>G, p.Ile170Val (NM_001305007.3); short protein forms I170V, I312V, I417V.
Identifiers: ClinVar variation 3761305 (VCV003761305.2).